The following is an entry in ClinVar:

NM_001148.6(ANK2):c.10445G>A (p.Ser3482Asn)

Gene: ANK2 (ankyrin 2; plus strand). Cytogenetic location: 4q26.
Variant type: single nucleotide variant.
Coding change: c.10445G>A on transcript NM_001148.6 (MANE Select); coding-DNA position 10445, G replaced by A.
Protein change: p.Ser3482Asn; replaces serine 3482 with asparagine.
Molecular consequence: missense variant. On other transcripts: intron variant (68).
Genome position (GRCh38, 1-based): chr4:113,359,063, G>A. VCF-style: chr4-113359063-G-A. GRCh37 (hg19) VCF-style: chr4-114280219-G-A.
Other names: c.10211G>A, p.Ser3404Asn (NM_001386142.1); c.6845G>A, p.Ser2282Asn (NM_001386166.1); c.10586G>A, p.Ser3529Asn (NM_001386174.1); c.10562G>A, p.Ser3521Asn (NM_001386175.1); c.4412-1760G>A (NM_001386186.2, NM_001386148.2); c.4214-1760G>A (NM_001354269.3); c.4292-1760G>A (NM_001386187.2); c.4253-1760G>A (NM_001386147.1); and 35 more; short protein forms S2282N, S3404N, S3529N, S3482N, S3521N.
Identifiers: ClinVar variation 2268833 (VCV002268833.5), dbSNP rs2096025653, ClinGen allele CA357940435.

ClinVar aggregate classification (germline): Uncertain significance. Review status: criteria provided, multiple submitters, no conflicts (2 of 4 stars). 2 submissions from 2 submitters: Uncertain significance (2). Last evaluated 2026-04-27.

Conditions:
Cardiovascular phenotype. Identifiers: MedGen CN230736.
Long QT syndrome (LQTS). Identifiers: MedGen C0023976, MeSH D008133, MONDO:0002442. Disease mechanism: loss of function. Inheritance: Various modes of inheritance.

Allele frequency attached by ClinVar (database versions not stated): gnomAD exomes below 0.00001.
gnomAD v4.1: 1 of 1,614,084 alleles (0.000062%); highest among the groups gnomAD compares: African/African-American, 0.0013%; no homozygotes.

Submissions (2):

Ambry Genetics
Classification: Uncertain significance for Cardiovascular phenotype. Last evaluated: 2026-04-27. Review status: criteria provided, single submitter. Criteria: Ambry Variant Classification Scheme 2023. Collection method: clinical testing. Allele origin: germline.
Comment: The p.S3482N variant (also known as c.10445G>A), located in coding exon 38 of the ANK2 gene, results from a G to A substitution at nucleotide position 10445. The serine at codon 3482 is replaced by asparagine, an amino acid with highly similar properties. This amino acid position is conserved. In addition, the in silico prediction for this alteration is inconclusive. Based on the available evidence, the clinical significance of this variant remains unclear.

Labcorp Genetics (formerly Invitae), Labcorp
Classification: Uncertain significance for Long QT syndrome. Last evaluated: 2024-12-17. Review status: criteria provided, single submitter. Criteria: Invitae Variant Classification Sherloc (09022015). Collection method: clinical testing. Allele origin: germline.
Comment: This sequence change replaces serine, which is neutral and polar, with asparagine, which is neutral and polar, at codon 3482 of the ANK2 protein (p.Ser3482Asn). This variant is not present in population databases (gnomAD no frequency). This variant has not been reported in the literature in individuals affected with ANK2-related conditions. ClinVar contains an entry for this variant (Variation ID: 2268833). An algorithm developed to predict the effect of missense changes on protein structure and function (PolyPhen-2) suggests that this variant is likely to be disruptive. In summary, the available evidence is currently insufficient to determine the role of this variant in disease. Therefore, it has been classified as a Variant of Uncertain Significance.